The following is an entry in ClinVar:

NM_032861.4(SERAC1):c.1166+282C>T

Genes: SERAC1 (serine active site containing 1; minus strand), LOC129389704 (MPRA-validated peak6269 silencer; plus strand). Cytogenetic location: 6q25.3.
Variant type: single nucleotide variant.
Coding change: c.1166+282C>T on transcript NM_032861.4 (MANE Select); 282 bases into the intron after coding-DNA position 1166, C replaced by T.
Molecular consequence: intron variant.
Genome position (GRCh38, 1-based): chr6:158,120,143, G>A on the plus strand (C>T on the coding strand, the complement: SERAC1 is on the minus strand). VCF-style: chr6-158120143-G-A. GRCh37 (hg19) VCF-style: chr6-158541175-G-A.
Identifiers: ClinVar variation 680778 (VCV000680778.1), dbSNP rs827669, ClinGen allele CA12283365.
Genomic context (GRCh38, chr6:158,120,143, plus strand): 5'-CAATCCAAATCAGTTATTAACTCAGATCTAAGTGAAAATGCCTTGAACCAAAGGAGATAT[G>A]TATTACAAAGTTTAAGTGTGACGCATTATCAAATGTGAATGCCACCTAACTGAAGGGAAG-3'

ClinVar aggregate classification (germline): Benign (1 of 4 stars; one submission).

Allele frequency attached by ClinVar (database versions not stated): TOPMed 0.52219; gnomAD 0.53027 and 0.53209; 1000 Genomes Project 0.55411; 1000 Genomes Project 30x 0.55465.
gnomAD v4.1: 80,710 of 151,984 alleles (53%); highest among the groups gnomAD compares: African/African-American, 61%; 21,777 homozygotes.

Submission:

GeneDx
Classification: Benign. Last evaluated: 2018-06-14. Review status: criteria provided, single submitter. Criteria: GeneDx Variant Classification (06012015). Collection method: clinical testing. Allele origin: germline. Affected: yes.
Comment: This variant is considered likely benign or benign based on one or more of the following criteria: it is a conservative change, it occurs at a poorly conserved position in the protein, it is predicted to be benign by multiple in silico algorithms, and/or has population frequency not consistent with disease.